The following is an entry in ClinVar:

NM_001385012.1(NBEA):c.4343C>A (p.Ala1448Glu)

Gene: NBEA (neurobeachin; plus strand). Cytogenetic location: 13q13.3.
Variant type: single nucleotide variant.
Coding change: c.4343C>A on transcript NM_001385012.1 (MANE Select); coding-DNA position 4343, C replaced by A.
Protein change: p.Ala1448Glu; replaces alanine 1448 with glutamic acid.
Molecular consequence: missense variant.
Genome position (GRCh38, 1-based): chr13:35,171,372, C>A. VCF-style: chr13-35171372-C-A. GRCh37 (hg19) VCF-style: chr13-35745509-C-A.
Other names: c.4334C>A, p.Ala1445Glu (NM_001379245.1); c.4343C>A, p.Ala1448Glu (NM_015678.5); short protein forms A1445E, A1448E.
Identifiers: ClinVar variation 1697183 (VCV001697183.2), dbSNP rs1212966817, ClinGen allele CA387841960.

ClinVar aggregate classification (germline): Uncertain significance (1 of 4 stars; one submission).

Submission:

GeneDx
Classification: Uncertain significance. Last evaluated: 2022-01-14. Review status: criteria provided, single submitter. Criteria: GeneDx Variant Classification Process June 2021. Collection method: clinical testing. Allele origin: germline. Affected: yes.
Comment: Not observed at significant frequency in large population cohorts (gnomAD); In silico analysis supports that this missense variant has a deleterious effect on protein structure/function; Has not been previously published as pathogenic or benign to our knowledge